The following is an entry in ClinVar:

NM_014384.3(ACAD8):c.1195+1G>A

Gene: ACAD8 (acyl-CoA dehydrogenase family member 8; plus strand). Cytogenetic location: 11q25.
Variant type: single nucleotide variant.
Coding change: c.1195+1G>A on transcript NM_014384.3 (MANE Select); the canonical splice donor site of the intron after coding-DNA position 1195, G replaced by A.
Molecular consequence: splice donor variant.
Genome position (GRCh38, 1-based): chr11:134,262,623, G>A. VCF-style: chr11-134262623-G-A. GRCh37 (hg19) VCF-style: chr11-134132517-G-A.
Identifiers: ClinVar variation 1323839 (VCV001323839.6), dbSNP rs1555067461, ClinGen allele CA383519470.

ClinVar aggregate classification (germline): Likely pathogenic (1 of 4 stars; one submission).

Conditions:
Deficiency of isobutyryl-CoA dehydrogenase. Also called: IBD DEFICIENCY; ACYL-CoA DEHYDROGENASE FAMILY, MEMBER 8, DEFICIENCY OF; ACAD8 DEFICIENCY. Identifiers: Orphanet 79159, MedGen C1969809, MONDO:0012648, OMIM 611283.

Submission:

Labcorp Genetics (formerly Invitae), Labcorp
Classification: Likely pathogenic for Deficiency of isobutyryl-CoA dehydrogenase. Last evaluated: 2025-10-01. Review status: criteria provided, single submitter. Criteria: Invitae Variant Classification Sherloc (09022015). Collection method: clinical testing. Allele origin: germline.
Comment: This sequence change affects a donor splice site in intron 10 of the ACAD8 gene. While this variant is not anticipated to result in nonsense mediated decay, it likely alters RNA splicing and results in a disrupted protein product. This variant is not present in population databases (gnomAD no frequency). Disruption of this splice site has been observed in individual(s) with clinical features of isobutyryl-CoA dehydrogenase deficiency (internal data). In at least one individual the data is consistent with being in trans (on the opposite chromosome) from a pathogenic variant. ClinVar contains an entry for this variant (Variation ID: 1323839). Variants that disrupt the consensus splice site are a relatively common cause of aberrant splicing (PMID: 17576681, 9536098). Algorithms developed to predict the effect of sequence changes on RNA splicing suggest that this variant may disrupt the consensus splice site. In summary, the currently available evidence indicates that the variant is pathogenic, but additional data are needed to prove that conclusively. Therefore, this variant has been classified as Likely Pathogenic.

Literature cited by the submitters: PubMed 17576681; PubMed 9536098.